The following is an entry in ClinVar:

ClinVar aggregate classification (germline): Uncertain significance (1 of 4 stars; one submission).

gnomAD v4.1: 1 of 1,612,586 alleles (0.000062%); highest among the groups gnomAD compares: Non-Finnish European, 0.000085%; no homozygotes.

Submission:

GeneDx
Classification: Uncertain significance. Last evaluated: 2023-12-26. Review status: criteria provided, single submitter. Criteria: GeneDx Variant Classification Process June 2021. Collection method: clinical testing. Allele origin: germline. Affected: yes.
Comment: Not observed in large population cohorts (gnomAD); In silico analysis supports that this missense variant has a deleterious effect on protein structure/function; Has not been previously published as pathogenic or benign to our knowledge

NM_032380.5(GFM2):c.1541G>C (p.Arg514Pro)

Gene: GFM2 (GTP dependent ribosome recycling factor mitochondrial 2; minus strand). Cytogenetic location: 5q13.3.
Variant type: single nucleotide variant.
Coding change: c.1541G>C on transcript NM_032380.5 (MANE Select); coding-DNA position 1541, G replaced by C.
Protein change: p.Arg514Pro; replaces arginine 514 with proline.
Molecular consequence: missense variant. On other transcripts: non-coding transcript variant (1).
Genome position (GRCh38, 1-based): chr5:74,733,068, C>G on the plus strand (G>C on the coding strand, the complement: GFM2 is on the minus strand). VCF-style: chr5-74733068-C-G. GRCh37 (hg19) VCF-style: chr5-74028893-C-G.
Other names: c.1637G>C, p.Arg546Pro (NM_001281302.2); c.1400G>C, p.Arg467Pro (NM_170691.3); short protein forms R467P, R514P, R546P.
Identifiers: ClinVar variation 1313069 (VCV001313069.3), dbSNP rs755301816, ClinGen allele CA360078975.